The following is an entry in ClinVar:

NM_001365276.2(TNXB):c.8613del (p.Phe2871fs)

Gene: TNXB (tenascin XB; minus strand). Cytogenetic location: 6p21.33.
Variant type: Deletion.
Coding change: c.8613del on transcript NM_001365276.2 (MANE Select); coding-DNA position 8613, one base deleted (T; older notation c.8613delT).
Protein change: p.Phe2871fs; shifts the reading frame from phenylalanine 2871.
Molecular consequence: frameshift variant.
Genome position (GRCh38, 1-based): chr6:32,053,566, A deleted on the plus strand (T on the coding strand, the reverse complement: TNXB is on the minus strand); the first of 3 consecutive A bases (chr6:32,053,566-32,053,568); deleting any one gives the same sequence. VCF-style (leftmost placement, unchanged base first): chr6-32053565-CA-C. GRCh37 (hg19) VCF-style: chr6-32021342-CA-C.
Other names: c.8607del, p.Phe2869fs (NM_019105.8); short protein forms F2869fs, F2871fs.
Identifiers: ClinVar variation 2392339 (VCV002392339.4), dbSNP rs1777434181, ClinGen allele CA1619402095.

ClinVar aggregate classification (germline): Pathogenic/Likely pathogenic. Review status: criteria provided, multiple submitters, no conflicts (2 of 4 stars). 3 submissions from 3 submitters: Pathogenic (2); Likely pathogenic (1). Last evaluated 2025-08-27.

Conditions:
Cardiovascular phenotype. Identifiers: MedGen CN230736.
Ehlers-Danlos syndrome due to tenascin-X deficiency (EDSCLL1). Also called: TNX DEFICIENCY; TNXB-Related Classical-Like Ehlers-Danlos Syndrome; EDS DUE TO TNX DEFICIENCY; EHLERS-DANLOS SYNDROME, CLASSIC-LIKE; Ehlers-Danlos syndrome, classic-like, 1. Identifiers: Orphanet 230839, MedGen C1848029, MONDO:0011670, OMIM 606408.
Vesicoureteral reflux 8 (VUR8). Identifiers: Orphanet 289365, MedGen C4014831, MONDO:0014422, OMIM 615963.

Submissions (3):

Myriad Genetics, Inc.
Classification: Pathogenic for Ehlers-Danlos syndrome due to tenascin-X deficiency. Last evaluated: 2025-08-27. Review status: criteria provided, single submitter. Criteria: Myriad Autosomal Dominant, Autosomal Recessive and X-Linked Classification Criteria (2023). Collection method: clinical testing. Allele origin: unknown.
Comment: NM_019105.6(TNXB):c.8607delT(F2869Lfs*40) is a frameshift variant classified as pathogenic in the context of classical-like Ehlers-Danlos syndrome, TNXB-related. F2869Lfs*40 has not been observed in cases with relevant disease. Relevant functional assessments of this variant are not available in the literature. F2869Lfs*40 has not been observed in referenced population frequency databases. In summary, NM_019105.6(TNXB):c.8607delT(F2869Lfs*40) is a frameshift variant in a gene where loss of function is a known mechanism of disease and is predicted to disrupt protein function. Please note: this variant was assessed in the context of healthy population screening.

Fulgent Genetics
Classification: Likely pathogenic for Ehlers-Danlos syndrome due to tenascin-X deficiency; Vesicoureteral reflux 8. Last evaluated: 2024-03-28. Review status: criteria provided, single submitter. Criteria: ACMG Guidelines, 2015. Collection method: clinical testing. Allele origin: germline.

Ambry Genetics
Classification: Pathogenic for Cardiovascular phenotype. Last evaluated: 2021-08-02. Review status: criteria provided, single submitter. Criteria: Ambry Variant Classification Scheme 2023. Collection method: clinical testing. Allele origin: germline.
Comment: The c.8607delT (p.F2869Lfs*40) alteration, located in exon 25 (coding exon 24) of the TNXB gene, consists of a deletion of one nucleotide at position 8607, causing a translational frameshift with a predicted alternate stop codon after 40 amino acids. This alteration is expected to result in loss of function by premature protein truncation or nonsense-mediated mRNA decay. This variant was not reported in population-based cohorts in the Genome Aggregation Database (gnomAD). Based on the available evidence, this alteration is classified as pathogenic.